The following is an entry in ClinVar:

ClinVar aggregate classification (germline): Uncertain significance. Review status: criteria provided, single submitter (1 of 4 stars). 2 submissions from 2 submitters: Uncertain significance (1). 1 of the submissions does not count toward it. Last evaluated 2022-03-18.

Conditions:
ITGAM-related disorder. Also called: ITGAM-related condition.

Allele frequency attached by ClinVar (database versions not stated): gnomAD 0.00003; ExAC 0.00003; TOPMed 0.00005.
gnomAD v4.1: 11 of 1,585,884 alleles (0.00069%); highest among the groups gnomAD compares: African/African-American, 0.0094%; no homozygotes.

Submissions (2):

Labcorp Genetics (formerly Invitae), Labcorp
Classification: Uncertain significance. Last evaluated: 2022-03-18. Review status: criteria provided, single submitter. Criteria: Invitae Variant Classification Sherloc (09022015). Collection method: clinical testing. Allele origin: germline.
Comment: This sequence change replaces threonine, which is neutral and polar, with serine, which is neutral and polar, at codon 694 of the ITGAM protein (p.Thr694Ser). Algorithms developed to predict the effect of missense changes on protein structure and function are either unavailable or do not agree on the potential impact of this missense change (SIFT: "Deleterious"; PolyPhen-2: "Benign"; Align-GVGD: "Class C55"). This variant is present in population databases (rs761540397, gnomAD 0.005%). This variant has not been reported in the literature in individuals affected with ITGAM-related conditions. In summary, the available evidence is currently insufficient to determine the role of this variant in disease. Therefore, it has been classified as a Variant of Uncertain Significance.

PreventionGenetics, part of Exact Sciences
Classification: Uncertain significance for ITGAM-related condition. Last evaluated: 2024-09-20. Review status: no assertion criteria provided. Collection method: clinical testing. Allele origin: germline. Not counted in ClinVar's aggregate classification.
Comment: The ITGAM c.2080A>T variant is predicted to result in the amino acid substitution p.Thr694Ser. To our knowledge, this variant has not been reported in the literature. This variant is reported in 0.0048% of alleles in individuals of African descent in gnomAD. At this time, the clinical significance of this variant is uncertain due to the absence of conclusive functional and genetic evidence.

NM_000632.4(ITGAM):c.2080A>T (p.Thr694Ser)

Gene: ITGAM (integrin subunit alpha M; plus strand). Cytogenetic location: 16p11.2.
Variant type: single nucleotide variant.
Coding change: c.2080A>T on transcript NM_000632.4 (MANE Select); coding-DNA position 2080, A replaced by T.
Protein change: p.Thr694Ser; replaces threonine 694 with serine.
Molecular consequence: missense variant.
Genome position (GRCh38, 1-based): chr16:31,324,476, A>T. VCF-style: chr16-31324476-A-T. GRCh37 (hg19) VCF-style: chr16-31335797-A-T.
Other names: c.2083A>T, p.Thr695Ser (NM_001145808.2); c.2080A>T (NM_000632.3); short protein forms T695S, T694S.
Identifiers: ClinVar variation 2063049 (VCV002063049.5), dbSNP rs761540397, ClinGen allele CA8025726.